The following is an entry in ClinVar:

NM_000481.4(AMT):c.271_273del (p.Gly91del)

Gene: AMT (aminomethyltransferase; minus strand). Cytogenetic location: 3p21.31.
Variant type: Deletion.
Coding change: c.271_273del on transcript NM_000481.4 (MANE Select); coding-DNA positions 271 to 273, 3 bases deleted (GGT; older notation c.271_273delGGT).
Protein change: p.Gly91del; deletes glycine 91.
Molecular consequence: inframe deletion. On other transcripts: non-coding transcript variant (1).
Genome position (GRCh38, 1-based): chr3:49,421,558-49,421,560, ACC deleted on the plus strand (GGT on the coding strand, the reverse complement: AMT is on the minus strand); deleting any 3 consecutive bases within chr3:49,421,558-49,421,561 gives the same sequence; the c. name uses the placement nearest the transcript's 3' end. VCF-style (leftmost placement, unchanged base first): chr3-49421557-TACC-T. GRCh37 (hg19) VCF-style: chr3-49458990-TACC-T.
Other names: c.271_273del, p.Gly91del (NM_001164710.2, NM_001164712.2); c.103_105del, p.Gly35del (NM_001164711.2); short protein forms G91del, G35del.
Identifiers: ClinVar variation 1462474 (VCV001462474.6), dbSNP rs2107936054, ClinGen allele CA2573137081.

ClinVar aggregate classification (germline): Uncertain significance (1 of 4 stars; one submission).

Conditions:
Glycine encephalopathy. Also called: Non-ketotic hyperglycinemia; Nonketotic hyperglycinemia. Identifiers: Orphanet 407, MedGen C0751748, MONDO:0011612, HP:0008288.

Submission:

Labcorp Genetics (formerly Invitae), Labcorp
Classification: Uncertain significance for Glycine encephalopathy. Last evaluated: 2024-02-05. Review status: criteria provided, single submitter. Criteria: Invitae Variant Classification Sherloc (09022015). Collection method: clinical testing. Allele origin: germline.
Comment: This variant, c.271_273del, results in the deletion of 1 amino acid(s) of the AMT protein (p.Gly91del), but otherwise preserves the integrity of the reading frame. This variant is not present in population databases (gnomAD no frequency). This variant has not been reported in the literature in individuals affected with AMT-related conditions. ClinVar contains an entry for this variant (Variation ID: 1462474). Experimental studies and prediction algorithms are not available or were not evaluated, and the functional significance of this variant is currently unknown. In summary, the available evidence is currently insufficient to determine the role of this variant in disease. Therefore, it has been classified as a Variant of Uncertain Significance.